The following is an entry in ClinVar:

ClinVar aggregate classification (germline): Pathogenic/Likely pathogenic. Review status: criteria provided, multiple submitters, no conflicts (2 of 4 stars). 8 submissions from 8 submitters: Pathogenic (2); Likely pathogenic (3). 3 of the submissions do not count toward it. Last evaluated 2024-11-20.

Conditions:
RNASEH2A-related disorder. Also called: RNASEH2A-related condition.
Aicardi Goutieres syndrome (AGS). Also called: Encephalopathy, familial infantile, with calcification of basal ganglia and chronic cerebrospinal fluid lymphocytosis. Identifiers: Orphanet 51, MedGen C0393591, MONDO:0018866.
Aicardi-Goutieres syndrome 4. Identifiers: Orphanet 51, MedGen C1835912, MONDO:0012472, OMIM 610333.

Allele frequency attached by ClinVar (database versions not stated): TOPMed below 0.00001; gnomAD exomes below 0.00001 and 0.00001; gnomAD 0.00003.

Submissions (8):

GeneDx
Classification: Pathogenic. Last evaluated: 2024-11-20. Review status: criteria provided, single submitter. Criteria: GeneDx Variant Classification Process June 2021. Collection method: clinical testing. Allele origin: germline. Affected: yes.
Comment: Published functional studies demonstrate a damaging effect as R186W reduced enzymatic activities and catalytic efficiencies compared with wild type (PMID: 21454563); Not observed at significant frequency in large population cohorts (gnomAD); In silico analysis supports that this missense variant has a deleterious effect on protein structure/function; This variant is associated with the following publications: (PMID: 31589614, Hashemi[abstract]2014, 23592335, 30609409, 17846997, 37456470, 21454563, 20131292)

Labcorp Genetics (formerly Invitae), Labcorp
Classification: Pathogenic for Aicardi-Goutieres syndrome 4. Last evaluated: 2024-02-20. Review status: criteria provided, single submitter. Criteria: Invitae Variant Classification Sherloc (09022015). Collection method: clinical testing. Allele origin: germline.
Comment: This sequence change replaces arginine, which is basic and polar, with tryptophan, which is neutral and slightly polar, at codon 186 of the RNASEH2A protein (p.Arg186Trp). This variant is present in population databases (rs77103971, gnomAD 0.006%). This missense change has been observed in individual(s) with Aicardi–Goutieres syndrome (PMID: 20131292, 23592335). In at least one individual the data is consistent with being in trans (on the opposite chromosome) from a pathogenic variant. ClinVar contains an entry for this variant (Variation ID: 66068). Advanced modeling of protein sequence and biophysical properties (such as structural, functional, and spatial information, amino acid conservation, physicochemical variation, residue mobility, and thermodynamic stability) performed at Invitae indicates that this missense variant is expected to disrupt RNASEH2A protein function with a positive predictive value of 80%. Experimental studies have shown that this missense change affects RNASEH2A function (PMID: 21454563). This variant disrupts the p.Arg186 amino acid residue in RNASEH2A. Other variant(s) that disrupt this residue have been determined to be pathogenic (Invitae). This suggests that this residue is clinically significant, and that variants that disrupt this residue are likely to be disease-causing. For these reasons, this variant has been classified as Pathogenic.

Women's Health and Genetics/Laboratory Corporation of America, LabCorp
Classification: Likely pathogenic for Aicardi Goutieres syndrome. Last evaluated: 2023-03-27. Review status: criteria provided, single submitter. Criteria: LabCorp Variant Classification Summary - May 2015. Collection method: clinical testing. Allele origin: germline.
Comment: Variant summary: RNASEH2A c.556C>T (p.Arg186Trp) results in a non-conservative amino acid change located in the Ribonuclease HII/HIII domain (IPR024567) of the encoded protein sequence. Five of five in-silico tools predict a damaging effect of the variant on protein function. The variant allele was found at a frequency of 4e-06 in 251490 control chromosomes (gnomAD). c.556C>T has been reported in the literature as a biallelic genotype in individuals affected with Aicardi Goutieres Syndrome (e.g. Ramantani_2010, Rice_2013). These data indicate that the variant may be associated with disease. Experimental evidence evaluating the effects of the variant on protein function showed there was drastic reduction in ribonuclease activity (Coffin_2011). Three ClinVar submitters have assessed the variant since 2014: two classified the variant as likely pathogenic, and one as pathogenic. Based on the evidence outlined above, the variant was classified as likely pathogenic.

3billion
Classification: Likely pathogenic for Aicardi-Goutieres syndrome 4. Last evaluated: 2022-01-03. Review status: criteria provided, single submitter. Criteria: ACMG Guidelines, 2015. Collection method: clinical testing. Allele origin: germline. Affected: yes. Observed: 1 homozygote.
Comment: Same nucleotide change resulting in same amino acid change has been previously reported to be associated with RNASEH2A related disorder (ClinVar ID: VCV000066068, PMID:17846997, PS1_P). A different missense change at the same codon has been reported as pathogenic/likely pathogenic with strong evidence (ClinVar ID: VCV000445579, PMID:24300241, PM5_M). In silico tool predictions suggest damaging effect of the variant on gene or gene product (REVEL: 0.823, 3CNET: 0.94, PP3_P). A missense variant is a common mechanism associated with Aicardi-Goutieres syndrome 4 (PP2_P). It is observed at an extremely low frequency in the gnomAD v2.1.1 dataset (total allele frequency: 0.000004, PM2_M). Therefore, this variant is classified as likely pathogenic according to the recommendation of ACMG/AMP guideline.

Laboratory for Molecular Medicine, Mass General Brigham Personalized Medicine
Classification: Likely pathogenic for Aicardi Goutieres syndrome. Last evaluated: 2017-03-21. Review status: criteria provided, single submitter. Criteria: LMM Criteria. Collection method: clinical testing. Allele origin: germline. Inheritance: Autosomal recessive inheritance. Observed: 1 variant allele.
Comment: The p.Arg186Trp (NM_006397.2 c.556C>T) variant in RNASEH2A has been reported in at least 3 individuals with Aicardi- Goutieres (Rice 2007, Ramantani 2010, and R ice 2013). This variant has been identified in 0.006% (1/17,248) of East Asian c hromosomes by the Genomic Aggregation Database (gnomAD, rs77103971). Although this variant has been seen in the general popula tion, its frequency is consistent with recessive carrier frequency. In vitro fun ctional studies provide supporting evidence that the p.Arg196Trp variant may imp act protein function (Coffin 2011). In summary, this variant meets criteria to b e classified as likely pathogenic for Aicardi- Goutieres syndrome in an autosoma l recessive manner based upon biallelic case observations, supporting functional studies and consistent frequency in the general population.

PreventionGenetics, part of Exact Sciences
Classification: Likely pathogenic for RNASEH2A-related condition. Last evaluated: 2024-01-11. Review status: no assertion criteria provided. Collection method: clinical testing. Allele origin: germline. Not counted in ClinVar's aggregate classification.
Comment: The RNASEH2A c.556C>T variant is predicted to result in the amino acid substitution p.Arg186Trp. This variant has been reported in the homozygous or compound heterozygous states in individuals with Aicardi-Goutières syndrome (Rice et al. 2007. PubMed ID: 17846997; Ramantani et al. 2010. PubMed ID: 20131292; Rice et al. 2013. PubMed ID: 23592335). In vitro functional studies suggest this variant affects protein function (Coffin et al. 2011. PubMed ID: 21454563). This variant is reported in 0.0054% of alleles in individuals of East Asian descent in gnomAD. This variant is interpreted as likely pathogenic.

OMIM
Classification: Pathogenic for AICARDI-GOUTIERES SYNDROME 4. Last evaluated: 2007-10-01. Review status: no assertion criteria provided. Collection method: literature only. Allele origin: germline. Not counted in ClinVar's aggregate classification.

GeneReviews
No classification provided. Condition: Aicardi-Goutieres syndrome 4. Review status: no classification provided. Collection method: literature only. Allele origin: germline. Affected: yes. Not counted in ClinVar's aggregate classification.

Literature cited by the submitters: PubMed 20131292 (cited by 3 submitters); PubMed 23592335 (cited by 3 submitters); PubMed 21454563 (cited by 3 submitters); PubMed 17846997 (cited by 4 submitters); PubMed 24300241 (cited by 3billion); NCBI Bookshelf NBK1475 (cited by GeneReviews).

NM_006397.3(RNASEH2A):c.556C>T (p.Arg186Trp)

Gene: RNASEH2A (ribonuclease H2 subunit A; plus strand). Cytogenetic location: 19p13.13.
Variant type: single nucleotide variant.
Coding change: c.556C>T on transcript NM_006397.3 (MANE Select); coding-DNA position 556, C replaced by T.
Protein change: p.Arg186Trp; replaces arginine 186 with tryptophan.
Molecular consequence: missense variant.
Genome position (GRCh38, 1-based): chr19:12,810,323, C>T. VCF-style: chr19-12810323-C-T. GRCh37 (hg19) VCF-style: chr19-12921137-C-T.
Other names: short protein forms R186W.
Identifiers: ClinVar variation 66068 (VCV000066068.17), dbSNP rs77103971, ClinGen allele CA345300.